The following is an entry in ClinVar:

NM_022095.4(ZNF335):c.368C>T (p.Thr123Ile)

Gene: ZNF335 (zinc finger protein 335; minus strand). Cytogenetic location: 20q13.12.
Variant type: single nucleotide variant.
Coding change: c.368C>T on transcript NM_022095.4 (MANE Select); coding-DNA position 368, C replaced by T.
Protein change: p.Thr123Ile; replaces threonine 123 with isoleucine.
Molecular consequence: missense variant.
Genome position (GRCh38, 1-based): chr20:45,969,525, G>A on the plus strand (C>T on the coding strand, the complement: ZNF335 is on the minus strand). VCF-style: chr20-45969525-G-A. GRCh37 (hg19) VCF-style: chr20-44598164-G-A.
Other names: c.368C>T (NM_022095.3); short protein forms T123I.
Identifiers: ClinVar variation 1460561 (VCV001460561.5), dbSNP rs752666724, ClinGen allele CA9886123.

ClinVar aggregate classification (germline): Uncertain significance. Review status: criteria provided, multiple submitters, no conflicts (2 of 4 stars). 2 submissions from 2 submitters: Uncertain significance (2). Last evaluated 2023-01-23.

Conditions:
Inborn genetic diseases. Identifiers: MedGen C0950123, MeSH D030342.

Allele frequency attached by ClinVar (database versions not stated): gnomAD 0.00001; gnomAD exomes 0.00001; TOPMed 0.00001; ExAC 0.00002.
gnomAD v4.1: 16 of 1,588,286 alleles (0.001%); highest among the groups gnomAD compares: Non-Finnish European, 0.0013%; no homozygotes.

Submissions (2):

Ambry Genetics
Classification: Uncertain significance for Inborn genetic diseases. Last evaluated: 2023-01-23. Review status: criteria provided, single submitter. Criteria: Ambry Variant Classification Scheme 2023. Collection method: clinical testing. Allele origin: germline.

Labcorp Genetics (formerly Invitae), Labcorp
Classification: Uncertain significance. Last evaluated: 2022-06-27. Review status: criteria provided, single submitter. Criteria: Invitae Variant Classification Sherloc (09022015). Collection method: clinical testing. Allele origin: germline.
Comment: This variant has not been reported in the literature in individuals affected with ZNF335-related conditions. This variant is present in population databases (rs752666724, gnomAD 0.01%). This sequence change replaces threonine, which is neutral and polar, with isoleucine, which is neutral and non-polar, at codon 123 of the ZNF335 protein (p.Thr123Ile). Algorithms developed to predict the effect of missense changes on protein structure and function are either unavailable or do not agree on the potential impact of this missense change (SIFT: "Deleterious"; PolyPhen-2: "Benign"; Align-GVGD: "Class C0"). In summary, the available evidence is currently insufficient to determine the role of this variant in disease. Therefore, it has been classified as a Variant of Uncertain Significance.